The following is an entry in ClinVar:

ClinVar aggregate classification (germline): Uncertain significance (1 of 4 stars; one submission).

Conditions:
Hyper-IgE recurrent infection syndrome 3, autosomal recessive. Also called: Autosomal recessive hyper-IgE syndrome due to ZNF341 deficiency; HYPER-IgE SYNDROME 3, AUTOSOMAL RECESSIVE, WITH RECURRENT INFECTIONS. Identifiers: Orphanet 641368, MedGen C4748969, MONDO:0032654, OMIM 618282.

Allele frequency attached by ClinVar (database versions not stated): gnomAD 0.00001.
gnomAD v4.1: 1 of 1,613,754 alleles (0.000062%); highest among the groups gnomAD compares: African/African-American, 0.0013%; no homozygotes.

Submission:

Labcorp Genetics (formerly Invitae), Labcorp
Classification: Uncertain significance for Combined immunodeficiency due to DOCK8 deficiency. Last evaluated: 2022-07-19. Review status: criteria provided, single submitter. Criteria: Invitae Variant Classification Sherloc (09022015). Collection method: clinical testing. Allele origin: germline.
Comment: In summary, the available evidence is currently insufficient to determine the role of this variant in disease. Therefore, it has been classified as a Variant of Uncertain Significance. Algorithms developed to predict the effect of missense changes on protein structure and function (SIFT, PolyPhen-2, Align-GVGD) all suggest that this variant is likely to be tolerated. This variant has not been reported in the literature in individuals affected with DOCK8-related conditions. This variant is not present in population databases (gnomAD no frequency). This sequence change replaces asparagine, which is neutral and polar, with serine, which is neutral and polar, at codon 1110 of the DOCK8 protein (p.Asn1110Ser).

NM_203447.4(DOCK8):c.3329A>G (p.Asn1110Ser)

Gene: DOCK8 (dedicator of cytokinesis 8; plus strand). Cytogenetic location: 9p24.3.
Variant type: single nucleotide variant.
Coding change: c.3329A>G on transcript NM_203447.4 (MANE Select); coding-DNA position 3329, A replaced by G.
Protein change: p.Asn1110Ser; replaces asparagine 1110 with serine.
Molecular consequence: missense variant.
Genome position (GRCh38, 1-based): chr9:405,012, A>G. VCF-style: chr9-405012-A-G. GRCh37 (hg19) VCF-style: chr9-405012-A-G.
Other names: c.3029A>G, p.Asn1010Ser (NM_001190458.2); c.3125A>G, p.Asn1042Ser (NM_001193536.2); short protein forms N1010S, N1042S, N1110S.
Identifiers: ClinVar variation 1968906 (VCV001968906.3), dbSNP rs2055346641, ClinGen allele CA372757850.